The following is an entry in ClinVar:

ClinVar aggregate classification (germline): Pathogenic (1 of 4 stars; one submission).

Submission:

Dasa
Classification: Pathogenic. Last evaluated: 2026-04-09. Review status: criteria provided, single submitter. Criteria: DASA Assertion Criteria. Collection method: clinical testing. Allele origin: germline.
Comment: NM_138694.4(PKHD1):c.9523_9524delinsG (p.Asn3175Valfs*8) introduces a premature termination codon predicted to result in loss of normal protein function. Loss-of-function is an established mechanism of disease for this gene. Based on the available data, this variant is classified as pathogenic.

NM_138694.4(PKHD1):c.9523_9524delinsG (p.Asn3175fs)

Gene: PKHD1 (PKHD1 ciliary IPT domain containing fibrocystin/polyductin; minus strand). Cytogenetic location: 6p12.3.
Variant type: Indel.
Coding change: c.9523_9524delinsG on transcript NM_138694.4 (MANE Select); coding-DNA positions 9523 to 9524, AA replaced by G.
Protein change: p.Asn3175fs; shifts the reading frame from asparagine 3175.
Molecular consequence: frameshift variant.
Genome position (GRCh38, 1-based): chr6:51,748,092-51,748,093, TT replaced by C on the plus strand (AA replaced by G on the coding strand, the reverse complement: PKHD1 is on the minus strand). VCF-style: chr6-51748092-TT-C. GRCh37 (hg19) VCF-style: chr6-51612890-TT-C.
Other names: c.9523_9524delinsG, p.Asn3175fs (NM_170724.3); short protein forms N3175fs.
Identifiers: ClinVar variation 4852000 (VCV004852000.1).